The following is an entry in ClinVar:

ClinVar aggregate classification (germline): Likely benign. Review status: criteria provided, multiple submitters, no conflicts (2 of 4 stars). 3 submissions from 3 submitters: Likely benign (3). Last evaluated 2024-05-26.

Conditions:
Hereditary cancer-predisposing syndrome. Also called: Tumor predisposition; Neoplastic Syndromes, Hereditary; Hereditary Cancer Syndrome; Hereditary neoplastic syndrome. Identifiers: Orphanet 140162, MedGen C0027672, MeSH D009386, MONDO:0015356.
Multiple endocrine neoplasia, type 2 (MEN2). Identifiers: Orphanet 653, MedGen C4048306, MONDO:0019003. Disease mechanism: gain of function.

Allele frequency attached by ClinVar (database versions not stated): gnomAD 0.00001.
gnomAD v4.1: 2 of 1,580,736 alleles (0.00013%); highest among the groups gnomAD compares: African/African-American, 0.0013%; no homozygotes.

Submissions (3):

Ambry Genetics
Classification: Likely benign for Hereditary cancer-predisposing syndrome. Last evaluated: 2024-05-26. Review status: criteria provided, single submitter. Criteria: Ambry Variant Classification Scheme 2023. Collection method: clinical testing. Allele origin: germline.

All of Us Research Program, National Institutes of Health
Classification: Likely benign for Multiple endocrine neoplasia, type 2. Last evaluated: 2023-10-02. Review status: criteria provided, single submitter. Criteria: ACMG Guidelines, 2015. Collection method: clinical testing. Allele origin: germline. Inheritance: Autosomal dominant inheritance. Observed: 1 variant allele, 1 heterozygote.
Comment: This study involves interpretation of variants in research participants for the purpose of population health screening. Participant phenotype was not available at the time of variant classification. Additional details can be found in publication PMID: 35346344, PMCID: PMC8962531

Labcorp Genetics (formerly Invitae), Labcorp
Classification: Likely benign for Multiple endocrine neoplasia, type 2. Last evaluated: 2019-08-17. Review status: criteria provided, single submitter. Criteria: Invitae Variant Classification Sherloc (09022015). Collection method: clinical testing. Allele origin: germline.

NM_020975.6(RET):c.657C>T (p.Asp219=)

Gene: RET (ret proto-oncogene; plus strand). Cytogenetic location: 10q11.21.
Variant type: single nucleotide variant.
Coding change: c.657C>T on transcript NM_020975.6 (MANE Select); coding-DNA position 657, C replaced by T.
Protein change: p.Asp219=; no amino-acid change (aspartic acid 219 retained).
Molecular consequence: synonymous variant. On other transcripts: 5 prime UTR variant (1), intron variant (22).
Genome position (GRCh38, 1-based): chr10:43,104,983, C>T. VCF-style: chr10-43104983-C-T. GRCh37 (hg19) VCF-style: chr10-43600431-C-T.
Other names: c.657C>T, p.Asp219= (NM_000323.2, NM_001406743.1, NM_001406744.1 and 8 more transcripts); c.-106C>T (NM_001355216.2); c.528C>T, p.Asp176= (NM_001406761.1, NM_001406762.1, NM_001406764.1 and 2 more transcripts); c.369C>T, p.Asp123= (NM_001406766.1, NM_001406767.1, NM_001406770.1); c.625+2354C>T (NM_001406773.1, NM_001406771.1, NM_001406782.1 and 5 more transcripts); c.496+2354C>T (NM_001406786.1, NM_001406783.1); c.338-4048C>T (NM_001406778.1, NM_001406775.1, NM_001406776.1 and 1 more transcripts); c.337+4261C>T (NM_001406790.1, NM_001406788.1, NM_001406789.1 and 1 more transcripts); and 2 more.
Identifiers: ClinVar variation 1106390 (VCV001106390.12), dbSNP rs1837729196, ClinGen allele CA469021490.